The following is an entry in ClinVar:

NM_001370259.2(MEN1):c.188T>A (p.Phe63Tyr)

Gene: MEN1 (menin 1; minus strand). Cytogenetic location: 11q13.1.
Variant type: single nucleotide variant.
Coding change: c.188T>A on transcript NM_001370259.2 (MANE Select); coding-DNA position 188, T replaced by A.
Protein change: p.Phe63Tyr; replaces phenylalanine 63 with tyrosine.
Molecular consequence: missense variant.
Genome position (GRCh38, 1-based): chr11:64,809,922, A>T on the plus strand (T>A on the coding strand, the complement: MEN1 is on the minus strand). VCF-style: chr11-64809922-A-T. GRCh37 (hg19) VCF-style: chr11-64577394-A-T.
Other names: c.188T>A, p.Phe63Tyr (NM_000244.4, NM_001370251.2, NM_001370260.2 and 9 more transcripts); short protein forms F63Y.
Identifiers: ClinVar variation 662452 (VCV000662452.16), dbSNP rs1366457977, ClinGen allele CA381187687.

ClinVar aggregate classification (germline): Conflicting classifications of pathogenicity. Review status: criteria provided, conflicting classifications (1 of 4 stars). 5 submissions from 5 submitters: Uncertain significance (4); Likely benign (1). Last evaluated 2025-08-11.

Conditions:
Multiple endocrine neoplasia, type 1 (MEN1). Also called: MEA I; MEN I; WERMER SYNDROME; Endocrine adenomatosis multiple; MEN 1. Identifiers: Orphanet 652, MedGen C0025267, MeSH D018761, MONDO:0007540, OMIM 131100.
Hereditary cancer. Identifiers: MedGen C1333600.
Hereditary cancer-predisposing syndrome. Also called: Neoplastic Syndromes, Hereditary; Hereditary neoplastic syndrome; Tumor predisposition; Hereditary Cancer Syndrome. Identifiers: Orphanet 140162, MedGen C0027672, MeSH D009386, MONDO:0015356.

Allele frequency attached by ClinVar (database versions not stated): gnomAD 0.00001.

Submissions (5):

Labcorp Genetics (formerly Invitae), Labcorp
Classification: Uncertain significance for Multiple endocrine neoplasia, type 1. Last evaluated: 2025-08-11. Review status: criteria provided, single submitter. Criteria: Invitae Variant Classification Sherloc (09022015). Collection method: clinical testing. Allele origin: germline.
Comment: This sequence change replaces phenylalanine, which is neutral and non-polar, with tyrosine, which is neutral and polar, at codon 63 of the MEN1 protein (p.Phe63Tyr). This variant is present in population databases (no rsID available, gnomAD 0.007%). This variant has not been reported in the literature in individuals affected with MEN1-related conditions. ClinVar contains an entry for this variant (Variation ID: 662452). Invitae Evidence Modeling of protein sequence and biophysical properties (such as structural, functional, and spatial information, amino acid conservation, physicochemical variation, residue mobility, and thermodynamic stability) indicates that this missense variant is expected to disrupt MEN1 protein function with a positive predictive value of 95%. In summary, the available evidence is currently insufficient to determine the role of this variant in disease. Therefore, it has been classified as a Variant of Uncertain Significance.

Ambry Genetics
Classification: Uncertain significance for Hereditary cancer-predisposing syndrome. Last evaluated: 2024-03-09. Review status: criteria provided, single submitter. Criteria: Ambry Variant Classification Scheme 2023. Collection method: clinical testing. Allele origin: germline.
Comment: The p.F63Y variant (also known as c.188T>A), located in coding exon 1 of the MEN1 gene, results from a T to A substitution at nucleotide position 188. The phenylalanine at codon 63 is replaced by tyrosine, an amino acid with highly similar properties. In one study which performed structural analysis for MEN1 missense variants, this alteration did not meet the threshold for pathogenicity (Caswell RC et al. J Endocr Soc, 2019 Dec;3:2258-2275). This amino acid position is well conserved in available vertebrate species. In addition, this alteration is predicted to be deleterious by in silico analysis. Since supporting evidence is limited at this time, the clinical significance of this alteration remains unclear.

Baylor Genetics
Classification: Uncertain significance for Multiple Endocrine Neoplasia Type 1. Last evaluated: 2024-02-13. Review status: criteria provided, single submitter. Criteria: ACMG Guidelines, 2015. Collection method: clinical testing. Allele origin: unknown.

Mendelics
Classification: Likely benign for Hereditary cancer. Last evaluated: 2024-01-23. Review status: criteria provided, single submitter. Criteria: ACMG Guidelines, 2015. Collection method: clinical testing. Allele origin: unknown.

All of Us Research Program, National Institutes of Health
Classification: Uncertain significance for Multiple endocrine neoplasia, type 1. Last evaluated: 2023-03-23. Review status: criteria provided, single submitter. Criteria: ACMG Guidelines, 2015. Collection method: clinical testing. Allele origin: germline. Inheritance: Autosomal dominant inheritance. Observed: 1 variant allele, 1 heterozygote.
Comment: This missense variant replaces phenylalanine with tyrosine at codon 63 of the MEN1 protein. Computational prediction is inconclusive regarding the impact of this variant on protein structure and function (internally defined REVEL score threshold 0.5 < inconclusive < 0.7, PMID: 27666373). To our knowledge, functional studies have not been reported for this variant. This variant has not been reported in individuals affected with hereditary cancer in the literature. This variant has been identified in 1/31330 chromosomes in the general population by the Genome Aggregation Database (gnomAD). The available evidence is insufficient to determine the role of this variant in disease conclusively. Therefore, this variant is classified as a Variant of Uncertain Significance.

This study involves interpretation of variants in research participants for the purpose of population health screening. Participant phenotype was not available at the time of variant classification. Additional details can be found in publication PMID: 35346344, PMCID: PMC8962531

Literature cited by the submitters: PubMed 31737856 (cited by Ambry Genetics).